The following is an entry in ClinVar:

NM_016363.5(GP6):c.-15_-4del

Gene: GP6 (glycoprotein VI platelet; minus strand). Cytogenetic location: 19q13.42.
Variant type: Deletion.
Coding change: c.-15_-4del on transcript NM_016363.5 (MANE Select); 15 bases upstream of the start codon through 4 bases upstream of the start codon, 12 bases deleted (CAGGGCTGAGGA).
Molecular consequence: 5 prime UTR variant.
Genome position (GRCh38, 1-based): chr19:55,038,240-55,038,251, TCCTCAGCCCTG deleted on the plus strand (CAGGGCTGAGGA on the coding strand, the reverse complement: GP6 is on the minus strand); deleting any 12 consecutive bases within chr19:55,038,240-55,038,255 gives the same sequence; the c. name uses the placement nearest the transcript's 3' end. VCF-style (leftmost placement, unchanged base first): chr19-55038239-TTCCTCAGCCCTG-T. GRCh37 (hg19) VCF-style: chr19-55549607-TTCCTCAGCCCTG-T.
Other names: p.?; c.-15_-4del (NM_001083899.2, NM_001256017.2).
Identifiers: ClinVar variation 4684400 (VCV004684400.1).
Genomic context (GRCh38, chr19:55,038,239, plus strand): 5'-CCAGATCTGACCCTCAGGACTCACCAAGACAGAAGAGGGCGGTCGGGGATGGAGACATGG[TTCCTCAGCCCTG>T]TCCTGAGCTCTGTGGCCAGGGAGGGAAGTGGTGGGAGCCTGGGGCACAGGCTCAGGATGT-3'

ClinVar aggregate classification (germline): Likely benign (1 of 4 stars; one submission).

Submission:

Mayo Clinic Laboratories, Mayo Clinic
Classification: Likely benign. Last evaluated: 2025-09-22. Review status: criteria provided, single submitter. Criteria: ACMG Guidelines, 2015. Collection method: clinical testing. Allele origin: germline. Observed: 1 variant allele.
Comment: BS1_supporting, BS2, BP4, BP7